The following is an entry in ClinVar:

ClinVar aggregate classification (germline): Uncertain significance (1 of 4 stars; one submission).

Conditions:
BBIP1-related disorder. Also called: BBIP1-related condition.

Allele frequency attached by ClinVar (database versions not stated): gnomAD exomes 0.00001.
gnomAD v4.1: 3 of 702,408 alleles (0.00043%); highest among the groups gnomAD compares: Admixed American, 0.002%; no homozygotes.

Submission:

PreventionGenetics, part of Exact Sciences
Classification: Uncertain significance for BBIP1-related condition. Last evaluated: 2026-02-04. Review status: criteria provided, single submitter. Criteria: ACMG Guidelines, 2015. Collection method: clinical testing. Allele origin: germline.
Comment: The BBIP1 c.100A>G variant is predicted to result in the amino acid substitution p.Thr34Ala. To our knowledge, this variant has not been reported in the literature or in a large population database, indicating this variant is rare. At this time, the clinical significance of this variant is uncertain due to the absence of conclusive functional and genetic evidence.

NM_001195305.3(BBIP1):c.38-6162A>G

Gene: BBIP1 (BBSome interacting protein 1; minus strand). Cytogenetic location: 10q25.2.
Variant type: single nucleotide variant.
Coding change: c.38-6162A>G on transcript NM_001195305.3 (MANE Select); 6162 bases into the intron before coding-DNA position 38, A replaced by G.
Molecular consequence: intron variant. On other transcripts: missense variant (1).
Genome position (GRCh38, 1-based): chr10:110,907,774, T>C on the plus strand (A>G on the coding strand, the complement: BBIP1 is on the minus strand). VCF-style: chr10-110907774-T-C. GRCh37 (hg19) VCF-style: chr10-112667532-T-C.
Other names: c.100A>G, p.Thr34Ala (NM_001195304.2); c.38-6162A>G (NM_001195306.2); c.-29-6162A>G (NM_001243783.3); c.38-7248A>G (NM_001195307.2); short protein forms T34A.
Identifiers: ClinVar variation 3033004 (VCV003033004.3), dbSNP rs1846182343, ClinGen allele CA378391141.